The following is an entry in ClinVar:

NM_052845.4(MMAB):c.357C>A (p.Cys119Ter)

Gene: MMAB (metabolism of cobalamin associated B; minus strand). Cytogenetic location: 12q24.11.
Variant type: single nucleotide variant.
Coding change: c.357C>A on transcript NM_052845.4 (MANE Select); coding-DNA position 357, C replaced by A.
Protein change: p.Cys119Ter; replaces cysteine 119 with a stop codon.
Molecular consequence: nonsense. On other transcripts: non-coding transcript variant (1).
Genome position (GRCh38, 1-based): chr12:109,561,844, G>T on the plus strand (C>A on the coding strand, the complement: MMAB is on the minus strand). VCF-style: chr12-109561844-G-T. GRCh37 (hg19) VCF-style: chr12-109999649-G-T.
Other names: c.357C>A (NM_052845.3); short protein forms C119*.
Identifiers: ClinVar variation 2787402 (VCV002787402.4), dbSNP rs2548605435, ClinGen allele CA386637748.

ClinVar aggregate classification (germline): Pathogenic/Likely pathogenic. Review status: criteria provided, multiple submitters, no conflicts (2 of 4 stars). 2 submissions from 2 submitters: Pathogenic (1); Likely pathogenic (1). Last evaluated 2025-09-01.

Conditions:
Methylmalonic aciduria, cblB type (MACB). Also called: Vitamin B12-responsive methylmalonic acidemia type cblB; METHYLMALONIC ACIDURIA, VITAMIN B12-RESPONSIVE, DUE TO DEFECT IN SYNTHESIS OF ADENOSYLCOBALAMIN, cblB TYPE; Methylmalonic acidemia cblB type. Identifiers: Orphanet 28, Orphanet 79311, MedGen C1855102, MONDO:0009614, OMIM 251110.

Submissions (2):

Natera, Inc.
Classification: Likely pathogenic for Methylmalonic aciduria cblB type. Last evaluated: 2025-09-01. Review status: criteria provided, single submitter. Criteria: Natera Variant Classification Schema (03/2026). Collection method: clinical testing. Allele origin: germline.
Comment: The c.357C>A variant in MMAB is a nonsense variant predicted to introduce a stop codon at amino acid 119. This variant is expected to result in nonsense mediated decay, truncation, or a dysfunctional protein product. This variant is rare in the general population with a frequency below the threshold expected for the associated phenotype(s). Given the available evidence, this variant is classified as Likely Pathogenic.

Labcorp Genetics (formerly Invitae), Labcorp
Classification: Pathogenic for Methylmalonic aciduria, cblB type. Last evaluated: 2024-01-21. Review status: criteria provided, single submitter. Criteria: Invitae Variant Classification Sherloc (09022015). Collection method: clinical testing. Allele origin: germline.
Comment: This sequence change creates a premature translational stop signal (p.Cys119*) in the MMAB gene. It is expected to result in an absent or disrupted protein product. Loss-of-function variants in MMAB are known to be pathogenic (PMID: 15781192, 16410054). This variant is not present in population databases (gnomAD no frequency). This variant has not been reported in the literature in individuals affected with MMAB-related conditions. For these reasons, this variant has been classified as Pathogenic.

Literature cited by the submitters: PubMed 15781192 (cited by Labcorp Genetics (formerly Invitae), Labcorp); PubMed 16410054 (cited by Labcorp Genetics (formerly Invitae), Labcorp).